The following is an entry in ClinVar:

ClinVar aggregate classification (germline): Pathogenic/Likely pathogenic. Review status: criteria provided, multiple submitters, no conflicts (2 of 4 stars). 3 submissions from 3 submitters: Pathogenic (2); Likely pathogenic (1). Last evaluated 2025-04-04.

Conditions:
Hereditary cancer-predisposing syndrome. Also called: Tumor predisposition; Neoplastic Syndromes, Hereditary; Hereditary neoplastic syndrome; Hereditary Cancer Syndrome. Identifiers: Orphanet 140162, MedGen C0027672, MeSH D009386, MONDO:0015356.
Lynch syndrome 4 (LYNCH4). Also called: Hereditary non-polyposis colorectal cancer, type 4; Colorectal cancer, hereditary nonpolyposis, type 4. Identifiers: Orphanet 144, MedGen C1838333, MONDO:0013699, OMIM 614337. Disease mechanism: loss of function.

Submissions (3):

Myriad Genetics, Inc.
Classification: Pathogenic for Lynch syndrome 4. Last evaluated: 2025-04-04. Review status: criteria provided, single submitter. Criteria: Myriad Autosomal Dominant, Autosomal Recessive and X-Linked Classification Criteria (2023). Collection method: clinical testing. Allele origin: unknown.
Comment: This variant is considered pathogenic. This variant creates a termination codon and is predicted to result in premature protein truncation.

Baylor Genetics
Classification: Likely pathogenic for Lynch syndrome 4. Last evaluated: 2023-06-04. Review status: criteria provided, single submitter. Criteria: ACMG Guidelines, 2015. Collection method: clinical testing. Allele origin: unknown.

Color Diagnostics, LLC DBA Color Health
Classification: Pathogenic for Hereditary cancer-predisposing syndrome. Last evaluated: 2020-04-02. Review status: criteria provided, single submitter. Criteria: ACMG Guidelines, 2015. Collection method: clinical testing. Allele origin: germline.
Comment: This variant changes 1 nucleotide in exon 9 of the PMS2 gene, creating a premature translation stop signal. This variant is expected to result in an absent or non-functional protein product. To our knowledge, this variant has not been reported in individuals affected with hereditary cancer in the literature. This variant has not been identified in the general population by the Genome Aggregation Database (gnomAD). Loss of PMS2 function is a known mechanism of disease. Based on the available evidence, this variant is classified as Pathogenic.

NM_000535.7(PMS2):c.939T>A (p.Tyr313Ter)

Gene: PMS2 (PMS1 homolog 2, mismatch repair system component; minus strand). Cytogenetic location: 7p22.1.
Variant type: single nucleotide variant.
Coding change: c.939T>A on transcript NM_000535.7 (MANE Select); coding-DNA position 939, T replaced by A.
Protein change: p.Tyr313Ter; replaces tyrosine 313 with a stop codon.
Molecular consequence: nonsense. On other transcripts: non-coding transcript variant (1).
Genome position (GRCh38, 1-based): chr7:5,992,022, A>T on the plus strand (T>A on the coding strand, the complement: PMS2 is on the minus strand). VCF-style: chr7-5992022-A-T. GRCh37 (hg19) VCF-style: chr7-6031653-A-T.
Other names: c.534T>A, p.Tyr178Ter (NM_001322003.2, NM_001322004.2, NM_001322005.2 and 2 more transcripts); c.939T>A, p.Tyr313Ter (NM_001322006.2, NM_001322014.2); c.621T>A, p.Tyr207Ter (NM_001322007.2, NM_001322008.2); c.6T>A, p.Tyr2Ter (NM_001322011.2, NM_001322012.2); c.366T>A, p.Tyr122Ter (NM_001322013.2); c.630T>A, p.Tyr210Ter (NM_001322015.2); short protein forms Y313*, Y178*, Y207*, Y210*, Y122*, Y2*.
Identifiers: ClinVar variation 630753 (VCV000630753.6), dbSNP rs1562651617, ClinGen allele CA366743155.
Genomic context (GRCh38, chr7:5,992,022, plus strand): 5'-ATGGAACTTACCTGAATCAACAGAAATGTTAAGAACAACAAATGGATACTGGTGTCGATT[A>T]TACATGTGGTAGACCTCATTCACGAGTCTGCAGACCTGCACAAAATACAAGGAGTAGAAA-3'